The following is an entry in ClinVar:

ClinVar aggregate classification (germline): Uncertain significance (1 of 4 stars; one submission).

Submission:

Labcorp Genetics (formerly Invitae), Labcorp
Classification: Uncertain significance. Last evaluated: 2022-11-07. Review status: criteria provided, single submitter. Criteria: Invitae Variant Classification Sherloc (09022015). Collection method: clinical testing. Allele origin: germline.
Comment: In summary, the available evidence is currently insufficient to determine the role of this variant in disease. Therefore, it has been classified as a Variant of Uncertain Significance. Advanced modeling of protein sequence and biophysical properties (such as structural, functional, and spatial information, amino acid conservation, physicochemical variation, residue mobility, and thermodynamic stability) performed at Invitae indicates that this missense variant is not expected to disrupt PPP3CA protein function. This variant has not been reported in the literature in individuals affected with PPP3CA-related conditions. This variant is not present in population databases (gnomAD no frequency). This sequence change replaces serine, which is neutral and polar, with threonine, which is neutral and polar, at codon 434 of the PPP3CA protein (p.Ser434Thr).

NM_000944.5(PPP3CA):c.1301G>C (p.Ser434Thr)

Gene: PPP3CA (protein phosphatase 3 catalytic subunit alpha; minus strand). Cytogenetic location: 4q24.
Variant type: single nucleotide variant.
Coding change: c.1301G>C on transcript NM_000944.5 (MANE Select); coding-DNA position 1301, G replaced by C.
Protein change: p.Ser434Thr; replaces serine 434 with threonine.
Molecular consequence: missense variant.
Genome position (GRCh38, 1-based): chr4:101,032,305, C>G on the plus strand (G>C on the coding strand, the complement: PPP3CA is on the minus strand). VCF-style: chr4-101032305-C-G. GRCh37 (hg19) VCF-style: chr4-101953462-C-G.
Other names: c.1301G>C, p.Ser434Thr (NM_001130691.2); c.1175G>C, p.Ser392Thr (NM_001130692.2); short protein forms S392T, S434T.
Identifiers: ClinVar variation 1721706 (VCV001721706.5), dbSNP rs2476210053, ClinGen allele CA357948032.